The following is an entry in ClinVar:

ClinVar aggregate classification (germline): Uncertain significance (1 of 4 stars; one submission).

Submission:

Labcorp Genetics (formerly Invitae), Labcorp
Classification: Uncertain significance. Last evaluated: 2022-03-09. Review status: criteria provided, single submitter. Criteria: Invitae Variant Classification Sherloc (09022015). Collection method: clinical testing. Allele origin: germline.
Comment: This sequence change falls in intron 3 of the COL13A1 gene. It does not directly change the encoded amino acid sequence of the COL13A1 protein. This variant is present in population databases (rs747565470, gnomAD 0.009%). This variant has not been reported in the literature in individuals affected with COL13A1-related conditions. Algorithms developed to predict the effect of sequence changes on RNA splicing suggest that this variant may disrupt the consensus splice site. In summary, the available evidence is currently insufficient to determine the role of this variant in disease. Therefore, it has been classified as a Variant of Uncertain Significance.

NM_001368882.1(COL13A1):c.373-11_373-10del

Gene: COL13A1 (collagen type XIII alpha 1 chain; plus strand). Cytogenetic location: 10q22.1.
Variant type: Microsatellite.
Coding change: c.373-11_373-10del on transcript NM_001368882.1 (MANE Select); 11 bases into the intron before coding-DNA position 373 through 10 bases into the intron before coding-DNA position 373, 2 bases deleted (CT; older notation c.373-11_373-10delCT).
Molecular consequence: intron variant.
Genome position (GRCh38, 1-based): chr10:69,872,173-69,872,174, CT deleted; deleting any 2 consecutive bases within chr10:69,872,171-69,872,174 gives the same sequence; the c. name uses the placement nearest the transcript's 3' end. VCF-style (leftmost placement, unchanged base first): chr10-69872170-ACT-A. GRCh37 (hg19) VCF-style: chr10-71631926-ACT-A.
Other names: c.373-11_373-10del (NM_001320951.2, NM_001368884.1, NM_001130103.2 and 7 more transcripts); c.-281-11_-281-10del (NM_001368886.1); c.372+4368_372+4369del (NM_001368895.1, NM_001368898.1, NM_080798.4 and 1 more transcripts).
Identifiers: ClinVar variation 1930696 (VCV001930696.2), dbSNP rs747565470, ClinGen allele CA5534099.
Genomic context (GRCh38, chr10:69,872,170, plus strand): 5'-TGGTTGAGACAGTGTTCAACAGTTAGGTGTTACGATACCTGCCTGACCTACGTAAACGTC[ACT>A]CTTCATTTCAGGGTCCCACTGGAAGACCCGGACTCCCAGTAAGTCACTTTTGTTTCTTCT-3'